The following is an entry in ClinVar:

NM_001184900.3(CARD8):c.308G>T (p.Arg103Leu)

Gene: CARD8 (caspase recruitment domain family member 8; minus strand). Cytogenetic location: 19q13.33.
Variant type: single nucleotide variant.
Coding change: c.308G>T on transcript NM_001184900.3 (MANE Select); coding-DNA position 308, G replaced by T.
Protein change: p.Arg103Leu; replaces arginine 103 with leucine.
Molecular consequence: missense variant. On other transcripts: 5 prime UTR variant (1), non-coding transcript variant (4).
Genome position (GRCh38, 1-based): chr19:48,234,445, C>A on the plus strand (G>T on the coding strand, the complement: CARD8 is on the minus strand). VCF-style: chr19-48234445-C-A. GRCh37 (hg19) VCF-style: chr19-48737702-C-A.
Other names: c.158G>T, p.Arg53Leu (NM_001184901.1, NM_001351783.2, NM_001351788.2 and 2 more transcripts); c.308G>T, p.Arg103Leu (NM_001184902.2, NM_001184903.1, NM_001351782.2); c.34G>T, p.Val12Leu (NM_001351784.2, NM_001351787.2, NM_001351791.2 and 2 more transcripts); c.-181G>T (NM_001351786.2); c.106G>T, p.Val36Leu (NM_001351790.2); short protein forms V36L, R53L, V12L, R103L.
Identifiers: ClinVar variation 1428506 (VCV001428506.8), dbSNP rs536343060, ClinGen allele CA406646927.

ClinVar aggregate classification (germline): Uncertain significance (1 of 4 stars; one submission).

Submission:

Labcorp Genetics (formerly Invitae), Labcorp
Classification: Uncertain significance. Last evaluated: 2025-02-13. Review status: criteria provided, single submitter. Criteria: Invitae Variant Classification Sherloc (09022015). Collection method: clinical testing. Allele origin: germline.
Comment: This sequence change replaces arginine, which is basic and polar, with leucine, which is neutral and non-polar, at codon 53 of the CARD8 protein (p.Arg53Leu). This variant is not present in population databases (gnomAD no frequency). This variant has not been reported in the literature in individuals affected with CARD8-related conditions. ClinVar contains an entry for this variant (Variation ID: 1428506). An algorithm developed to predict the effect of missense changes on protein structure and function (PolyPhen-2) suggests that this variant is likely to be tolerated. In summary, the available evidence is currently insufficient to determine the role of this variant in disease. Therefore, it has been classified as a Variant of Uncertain Significance.